The following is an entry in ClinVar:

ClinVar aggregate classification (germline): Likely benign. Review status: criteria provided, multiple submitters, no conflicts (2 of 4 stars). 2 submissions from 2 submitters: Likely benign (2). Last evaluated 2026-02-25.

Conditions:
CLDN19-related disorder. Also called: CLDN19-related condition.

Allele frequency attached by ClinVar (database versions not stated): gnomAD exomes below 0.00001; ExAC 0.00007; gnomAD 0.00009; TOPMed 0.00013.

Submissions (2):

PreventionGenetics, part of Exact Sciences
Classification: Likely benign for CLDN19-related condition. Last evaluated: 2026-02-25. Review status: criteria provided, single submitter. Criteria: ACMG Guidelines, 2015. Collection method: clinical testing. Allele origin: germline.
Comment: This variant is classified as likely benign based on ACMG/AMP sequence variant interpretation guidelines (Richards et al. 2015 PMID: 25741868, with internal and published modifications).

Labcorp Genetics (formerly Invitae), Labcorp
Classification: Likely benign. Last evaluated: 2023-08-14. Review status: criteria provided, single submitter. Criteria: Invitae Variant Classification Sherloc (09022015). Collection method: clinical testing. Allele origin: germline.

NM_148960.3(CLDN19):c.474-6T>C

Gene: CLDN19 (claudin 19; minus strand). Cytogenetic location: 1p34.2.
Variant type: single nucleotide variant.
Coding change: c.474-6T>C on transcript NM_148960.3 (MANE Select); 6 bases into the intron before coding-DNA position 474, T replaced by C.
Molecular consequence: intron variant.
Genome position (GRCh38, 1-based): chr1:42,736,036, A>G on the plus strand (T>C on the coding strand, the complement: CLDN19 is on the minus strand). VCF-style: chr1-42736036-A-G. GRCh37 (hg19) VCF-style: chr1-43201707-A-G.
Other names: c.474-6T>C (NM_148960.2, NM_001123395.2); c.389-6T>C (NM_001185117.2).
Identifiers: ClinVar variation 2697806 (VCV002697806.4), dbSNP rs761825557, ClinGen allele CA801355.